The following is an entry in ClinVar:

ClinVar aggregate classification (germline): Uncertain significance (1 of 4 stars; one submission).

Conditions:
Neuropathy, hereditary sensory and autonomic, type 2A (HSAN2A). Also called: HSAN IIA; MORVAN DISEASE; NEUROPATHY, CONGENITAL SENSORY; NEUROPATHY, HEREDITARY SENSORY RADICULAR, AUTOSOMAL RECESSIVE; NEUROPATHY, HEREDITARY SENSORY, TYPE IIA; NEUROPATHY, PROGRESSIVE SENSORY, OF CHILDREN. Identifiers: Orphanet 970, MedGen C2752089, MONDO:0024309, OMIM 201300.
Generalized epilepsy with febrile seizures plus, type 7 (GEFSP7). Also called: GEFS+, TYPE 7. Identifiers: Orphanet 36387, MedGen C2751778, MONDO:0013470, OMIM 613863.

Allele frequency attached by ClinVar (database versions not stated): ExAC 0.00002; TOPMed 0.00003.
gnomAD v4.1: 26 of 1,613,094 alleles (0.0016%); highest among the groups gnomAD compares: African/African-American, 0.016%; no homozygotes.

Submission:

Labcorp Genetics (formerly Invitae), Labcorp
Classification: Uncertain significance for Neuropathy, hereditary sensory and autonomic, type 2A; Generalized epilepsy with febrile seizures plus, type 7. Last evaluated: 2025-11-06. Review status: criteria provided, single submitter. Criteria: Invitae Variant Classification Sherloc (09022015). Collection method: clinical testing. Allele origin: germline.
Comment: This sequence change replaces arginine, which is basic and polar, with histidine, which is basic and polar, at codon 26 of the SCN9A protein (p.Arg26His). This variant is present in population databases (rs111404258, gnomAD 0.02%). This missense change has been observed in individual(s) with autosomal dominant SCN9A-related conditions (PMID: 35813073). ClinVar contains an entry for this variant (Variation ID: 860437). Invitae Evidence Modeling of protein sequence and biophysical properties (such as structural, functional, and spatial information, amino acid conservation, physicochemical variation, residue mobility, and thermodynamic stability) has been performed for this missense variant. However, the output from this modeling did not meet the statistical confidence thresholds required to predict the impact of this variant on SCN9A protein function. In summary, the available evidence is currently insufficient to determine the role of this variant in disease. Therefore, it has been classified as a Variant of Uncertain Significance.

Literature cited by the submitters: PubMed 35813073.

NM_001365536.1(SCN9A):c.77G>A (p.Arg26His)

Gene: SCN9A (sodium voltage-gated channel alpha subunit 9; minus strand). Cytogenetic location: 2q24.3.
Variant type: single nucleotide variant.
Coding change: c.77G>A on transcript NM_001365536.1 (MANE Select); coding-DNA position 77, G replaced by A.
Protein change: p.Arg26His; replaces arginine 26 with histidine.
Molecular consequence: missense variant.
Genome position (GRCh38, 1-based): chr2:166,311,680, C>T on the plus strand (G>A on the coding strand, the complement: SCN9A is on the minus strand). VCF-style: chr2-166311680-C-T. GRCh37 (hg19) VCF-style: chr2-167168190-C-T.
Other names: c.77G>A, p.Arg26His (NM_002977.4); short protein forms R26H.
Identifiers: ClinVar variation 860437 (VCV000860437.8), dbSNP rs111404258, ClinGen allele CA1944892.
Genomic context (GRCh38, chr2:166,311,680, plus strand): 5'-GCTTCTTCATCATCATCTTTCTTTTCTTCTTTGGGTTCCTTTGATTTTCTTTCAGCAATG[C>T]GTTGTTCAATGAGGGCAAGAGACTGTTTTGTGAAATGGACAAAGCTCTGAGGTCCTGGGG-3'
Protein context (NP_001352465.1, residues 16-36): TKQSLALIEQ[Arg26His]IAERKSKEPK